The following is an entry in ClinVar:

ClinVar aggregate classification (germline): Pathogenic. Review status: criteria provided, multiple submitters, no conflicts (2 of 4 stars). 4 submissions from 4 submitters: Pathogenic (3). 1 of the submissions does not count toward it. Last evaluated 2024-09-18.

Conditions:
Hereditary cancer-predisposing syndrome. Also called: Hereditary Cancer Syndrome; Hereditary neoplastic syndrome; Tumor predisposition; Neoplastic Syndromes, Hereditary. Identifiers: Orphanet 140162, MedGen C0027672, MeSH D009386, MONDO:0015356.
Familial cancer of breast. Also called: BREAST CANCER, FAMILIAL; hereditary breast carcinoma; Hereditary breast cancer. Identifiers: Orphanet 227535, MedGen C0346153, MONDO:0016419, OMIM 114480. Disease mechanism: loss of function.

Submissions (4):

Labcorp Genetics (formerly Invitae), Labcorp
Classification: Pathogenic for Familial cancer of breast. Last evaluated: 2024-09-18. Review status: criteria provided, single submitter. Criteria: Invitae Variant Classification Sherloc (09022015). Collection method: clinical testing. Allele origin: germline.
Comment: This sequence change creates a premature translational stop signal (p.Gln921*) in the PALB2 gene. It is expected to result in an absent or disrupted protein product. Loss-of-function variants in PALB2 are known to be pathogenic (PMID: 17200668, 17200671, 17200672, 24136930, 25099575). This variant is not present in population databases (gnomAD no frequency). This premature translational stop signal has been observed in individual(s) with PALB2-related conditions (PMID: 21165770). ClinVar contains an entry for this variant (Variation ID: 126680). Algorithms developed to predict the effect of sequence changes on RNA splicing suggest that this variant may disrupt the consensus splice site. For these reasons, this variant has been classified as Pathogenic.

Myriad Genetics, Inc.
Classification: Pathogenic for Familial cancer of breast. Last evaluated: 2023-04-21. Review status: criteria provided, single submitter. Criteria: Myriad Autosomal Dominant, Autosomal Recessive and X-Linked Classification Criteria (2023). Collection method: clinical testing. Allele origin: unknown.
Comment: This variant is considered pathogenic. This variant creates a termination codon and is predicted to result in premature protein truncation.

Ambry Genetics
Classification: Pathogenic for Hereditary cancer-predisposing syndrome. Last evaluated: 2023-01-04. Review status: criteria provided, single submitter. Criteria: Ambry Variant Classification Scheme 2023. Collection method: clinical testing. Allele origin: germline.
Comment: The p.Q921* pathogenic mutation (also known as c.2761C>T), located in coding exon 8 of the PALB2 gene, results from a C to T substitution at nucleotide position 2761. This changes the amino acid from a glutamine to a stop codon within coding exon 8. This alteration has been reported in a patient affected with bilateral breast cancers (Bogdanova N et al. Breast Cancer Res Treat, 2011 Apr;126:545-50). This variant is considered to be rare based on population cohorts in the Genome Aggregation Database (gnomAD). In addition to the clinical data presented in the literature, this alteration is expected to result in loss of function by premature protein truncation or nonsense-mediated mRNA decay. As such, this alteration is interpreted as a disease-causing mutation.

Leiden Open Variation Database
Classification: Pathogenic for Familial cancer of breast. Last evaluated: 2019-05-13. Review status: no assertion criteria provided. Collection method: curation. Allele origin: germline. Affected: yes. Not counted in ClinVar's aggregate classification.
Comment: Curators: Marc Tischkowitz, Arleen D. Auerbach. Submitter to LOVD: Marc Tischkowitz.

Literature cited by the submitters: PubMed 17200668 (cited by Labcorp Genetics (formerly Invitae), Labcorp); PubMed 17200671 (cited by Labcorp Genetics (formerly Invitae), Labcorp); PubMed 17200672 (cited by Labcorp Genetics (formerly Invitae), Labcorp); PubMed 24136930 (cited by Labcorp Genetics (formerly Invitae), Labcorp); PubMed 25099575 (cited by Labcorp Genetics (formerly Invitae), Labcorp); PubMed 21165770 (cited by 3 submitters).

NM_024675.4(PALB2):c.2761C>T (p.Gln921Ter)

Gene: PALB2 (partner and localizer of BRCA2; minus strand). Cytogenetic location: 16p12.2.
Variant type: single nucleotide variant.
Coding change: c.2761C>T on transcript NM_024675.4 (MANE Select); coding-DNA position 2761, C replaced by T.
Protein change: p.Gln921Ter; replaces glutamine 921 with a stop codon.
Molecular consequence: nonsense.
Genome position (GRCh38, 1-based): chr16:23,624,082, G>A on the plus strand (C>T on the coding strand, the complement: PALB2 is on the minus strand). VCF-style: chr16-23624082-G-A. GRCh37 (hg19) VCF-style: chr16-23635403-G-A.
Other names: short protein forms Q921*.
Identifiers: ClinVar variation 126680 (VCV000126680.8), dbSNP rs180177124, ClinGen allele CA269569.
Genomic context (GRCh38, chr16:23,624,082, plus strand): 5'-TTTCCAAATTTCCCAAAGCTACACACACGAGATTATACACATCAGGCACTGGAACTATCT[G>A]TAATACTGGAACCTAAATAAAACAAAGCAGCCAAAAATTATGCTTGGTTGTTTCATTTTT-3'